The following is an entry in ClinVar:

NM_015450.3(POT1):c.217T>C (p.Tyr73His)

Gene: POT1 (protection of telomeres 1; minus strand). Cytogenetic location: 7q31.33.
Variant type: single nucleotide variant.
Coding change: c.217T>C on transcript NM_015450.3 (MANE Select); coding-DNA position 217, T replaced by C.
Protein change: p.Tyr73His; replaces tyrosine 73 with histidine.
Molecular consequence: missense variant. On other transcripts: non-coding transcript variant (3), intron variant (1).
Genome position (GRCh38, 1-based): chr7:124,870,949, A>G on the plus strand (T>C on the coding strand, the complement: POT1 is on the minus strand). VCF-style: chr7-124870949-A-G. GRCh37 (hg19) VCF-style: chr7-124511003-A-G.
Other names: c.217T>C (NM_015450.2); c.-138-7309T>C (NM_001042594.2); short protein forms Y73H.
Identifiers: ClinVar variation 2843359 (VCV002843359.4), dbSNP rs1795852560, ClinGen allele CA369061405.
Genomic context (GRCh38, chr7:124,870,949, plus strand): 5'-TTCTAGACAATATGAATTATACCTTCAGCCTGTGAAAGCGAACAATATCTCCATTTTTAT[A>G]AATTATTGGAAGGGCTTCATAGTTTCCACTAAAGAGCAGGCAAGTTAGTTTTACATTTGT-3'
Protein context (NP_056265.2, residues 63-83): SGNYEALPII[Tyr73His]KNGDIVRFHR

ClinVar aggregate classification (germline): Uncertain significance. Review status: criteria provided, multiple submitters, no conflicts (2 of 4 stars). 2 submissions from 2 submitters: Uncertain significance (2). Last evaluated 2024-12-08.

Conditions:
Tumor predisposition syndrome 3 (TPDS3). Also called: LONG TELOMERE SYNDROME, POT1-RELATED; POT1 Tumor Predisposition; Melanoma, cutaneous malignant, susceptibility to, 10; Glioma susceptibility 9. Identifiers: Orphanet 618, MedGen C4014476, MONDO:0014368, OMIM 615848.
Hereditary cancer-predisposing syndrome. Also called: Tumor predisposition; Hereditary neoplastic syndrome; Hereditary Cancer Syndrome; Neoplastic Syndromes, Hereditary. Identifiers: Orphanet 140162, MedGen C0027672, MeSH D009386, MONDO:0015356.

Submissions (2):

Ambry Genetics
Classification: Uncertain significance for Hereditary cancer-predisposing syndrome. Last evaluated: 2024-12-08. Review status: criteria provided, single submitter. Criteria: Ambry Variant Classification Scheme 2023. Collection method: clinical testing. Allele origin: germline.
Comment: The p.Y73H variant (also known as c.217T>C), located in coding exon 3 of the POT1 gene, results from a T to C substitution at nucleotide position 217. The tyrosine at codon 73 is replaced by histidine, an amino acid with similar properties. This amino acid position is conserved. In addition, the in silico prediction for this alteration is inconclusive. Based on the available evidence, the clinical significance of this variant remains unclear.

Labcorp Genetics (formerly Invitae), Labcorp
Classification: Uncertain significance for Tumor predisposition syndrome 3. Last evaluated: 2023-03-07. Review status: criteria provided, single submitter. Criteria: Invitae Variant Classification Sherloc (09022015). Collection method: clinical testing. Allele origin: germline.
Comment: This sequence change replaces tyrosine, which is neutral and polar, with histidine, which is basic and polar, at codon 73 of the POT1 protein (p.Tyr73His). This variant is not present in population databases (gnomAD no frequency). This variant has not been reported in the literature in individuals affected with POT1-related conditions. Advanced modeling of protein sequence and biophysical properties (such as structural, functional, and spatial information, amino acid conservation, physicochemical variation, residue mobility, and thermodynamic stability) performed at Invitae indicates that this missense variant is not expected to disrupt POT1 protein function. In summary, the available evidence is currently insufficient to determine the role of this variant in disease. Therefore, it has been classified as a Variant of Uncertain Significance.